The following is an entry in ClinVar:

ClinVar aggregate classification (germline): Uncertain significance. Review status: criteria provided, multiple submitters, no conflicts (2 of 4 stars). 2 submissions from 2 submitters: Uncertain significance (2). Last evaluated 2025-09-08.

Allele frequency attached by ClinVar (database versions not stated): gnomAD exomes 0.00002 and 0.00006; ExAC 0.00006; gnomAD 0.00007 and 0.00009; ESP Exome Variant Server 0.00008; TOPMed 0.00009.
gnomAD v4.1: 34 of 1,610,496 alleles (0.0021%); highest among the groups gnomAD compares: African/African-American, 0.027%; no homozygotes.

Submissions (2):

Labcorp Genetics (formerly Invitae), Labcorp
Classification: Uncertain significance. Last evaluated: 2025-09-08. Review status: criteria provided, single submitter. Criteria: Invitae Variant Classification Sherloc (09022015). Collection method: clinical testing. Allele origin: germline.
Comment: This sequence change replaces arginine, which is basic and polar, with cysteine, which is neutral and slightly polar, at codon 318 of the RTTN protein (p.Arg318Cys). This variant is present in population databases (rs373643907, gnomAD 0.04%). This variant has not been reported in the literature in individuals affected with RTTN-related conditions. ClinVar contains an entry for this variant (Variation ID: 1302143). Invitae Evidence Modeling of protein sequence and biophysical properties (such as structural, functional, and spatial information, amino acid conservation, physicochemical variation, residue mobility, and thermodynamic stability) indicates that this missense variant is expected to disrupt RTTN protein function with a positive predictive value of 80%. In summary, the available evidence is currently insufficient to determine the role of this variant in disease. Therefore, it has been classified as a Variant of Uncertain Significance.

GeneDx
Classification: Uncertain significance. Last evaluated: 2019-05-13. Review status: criteria provided, single submitter. Criteria: GeneDx Variant Classification Process June 2021. Collection method: clinical testing. Allele origin: germline. Affected: yes.
Comment: In silico analysis, which includes protein predictors and evolutionary conservation, supports a deleterious effect; Has not been previously published as pathogenic or benign to our knowledge

NM_173630.4(RTTN):c.952C>T (p.Arg318Cys)

Gene: RTTN (rotatin; minus strand). Cytogenetic location: 18q22.2.
Variant type: single nucleotide variant.
Coding change: c.952C>T on transcript NM_173630.4 (MANE Select); coding-DNA position 952, C replaced by T.
Protein change: p.Arg318Cys; replaces arginine 318 with cysteine.
Molecular consequence: missense variant. On other transcripts: 5 prime UTR variant (1).
Genome position (GRCh38, 1-based): chr18:70,193,343, G>A on the plus strand (C>T on the coding strand, the complement: RTTN is on the minus strand). VCF-style: chr18-70193343-G-A. GRCh37 (hg19) VCF-style: chr18-67860579-G-A.
Other names: c.-1602C>T (NM_001318520.2); short protein forms R318C.
Identifiers: ClinVar variation 1302143 (VCV001302143.6), dbSNP rs373643907, ClinGen allele CA8996316.